The following is an entry in ClinVar:

ClinVar aggregate classification (germline): Uncertain significance (1 of 4 stars; one submission).

Conditions:
Cardiovascular phenotype. Identifiers: MedGen CN230736.

Allele frequency attached by ClinVar (database versions not stated): TOPMed below 0.00001; gnomAD 0.00001.
gnomAD v4.1: 21 of 1,612,718 alleles (0.0013%); highest among the groups gnomAD compares: Middle Eastern, 0.049%; no homozygotes.

Submission:

Ambry Genetics
Classification: Uncertain significance for Cardiovascular phenotype. Last evaluated: 2021-05-19. Review status: criteria provided, single submitter. Criteria: Ambry Variant Classification Scheme 2023. Collection method: clinical testing. Allele origin: germline.
Comment: The p.M450I variant (also known as c.1350G>T), located in coding exon 16 of the TXNRD2 gene, results from a G to T substitution at nucleotide position 1350. The methionine at codon 450 is replaced by isoleucine, an amino acid with highly similar properties. This amino acid position is well conserved in available vertebrate species; however, isoleucine is the reference amino acid in other vertebrate species. In addition, this alteration is predicted to be tolerated by in silico analysis. Since supporting evidence is limited at this time, the clinical significance of this alteration remains unclear.

NM_006440.5(TXNRD2):c.1350G>T (p.Met450Ile)

Gene: TXNRD2 (thioredoxin reductase 2; minus strand). Cytogenetic location: 22q11.21.
Variant type: single nucleotide variant.
Coding change: c.1350G>T on transcript NM_006440.5 (MANE Select); coding-DNA position 1350, G replaced by T.
Protein change: p.Met450Ile; replaces methionine 450 with isoleucine.
Molecular consequence: missense variant. On other transcripts: non-coding transcript variant (1).
Genome position (GRCh38, 1-based): chr22:19,878,185, C>A on the plus strand (G>T on the coding strand, the complement: TXNRD2 is on the minus strand). VCF-style: chr22-19878185-C-A. GRCh37 (hg19) VCF-style: chr22-19865708-C-A.
Other names: c.1347G>T, p.Met449Ile (NM_001352300.2); c.1260G>T, p.Met420Ile (NM_001352301.2); c.1062G>T, p.Met354Ile (NM_001352302.2); short protein forms M354I, M450I, M420I, M449I.
Identifiers: ClinVar variation 1770599 (VCV001770599.2), dbSNP rs1318396961, ClinGen allele CA410692035.
Genomic context (GRCh38, chr22:19,878,185, plus strand): 5'-TGCGTTGGGGCCAAGGAAATGCAGGCCCAGCACCAGCTGTGGGGGCTCCCTCAGGCACAC[C>A]ATCTGAAAGCCGCACATCTCAGCCACCAGCCCAGGAGGGGGCTGGGTTGCGTCCACCCTG-3'
Protein context (NP_006431.2, residues 440-460): GRDASQCYVK[Met450Ile]VCLREPPQLV